The following is an entry in ClinVar:

ClinVar aggregate classification (germline): Uncertain significance (1 of 4 stars; one submission).

Allele frequency attached by ClinVar (database versions not stated): TOPMed below 0.00001.
gnomAD v4.1: 1 of 1,614,214 alleles (0.000062%); highest among the groups gnomAD compares: Non-Finnish European, 0.000085%; no homozygotes.

Submission:

GeneDx
Classification: Uncertain significance. Last evaluated: 2019-05-21. Review status: criteria provided, single submitter. Criteria: GeneDx Variant Classification Process June 2021. Collection method: clinical testing. Allele origin: germline. Affected: yes.
Comment: Not observed in large population cohorts (Lek et al., 2016); In silico analysis, which includes protein predictors and evolutionary conservation, supports that this variant does not alter protein structure/function; Has not been previously published as pathogenic or benign to our knowledge

NM_018941.4(CLN8):c.381C>G (p.Ile127Met)

Gene: CLN8 (CLN8 transmembrane ER and ERGIC protein; plus strand). Cytogenetic location: 8p23.3.
Variant type: single nucleotide variant.
Coding change: c.381C>G on transcript NM_018941.4 (MANE Select); coding-DNA position 381, C replaced by G.
Protein change: p.Ile127Met; replaces isoleucine 127 with methionine.
Molecular consequence: missense variant.
Genome position (GRCh38, 1-based): chr8:1,771,435, C>G. VCF-style: chr8-1771435-C-G. GRCh37 (hg19) VCF-style: chr8-1719601-C-G.
Other names: short protein forms I127M.
Identifiers: ClinVar variation 1302488 (VCV001302488.2), dbSNP rs1177176282, ClinGen allele CA369953447.